The following is an entry in ClinVar:

NM_153704.6(TMEM67):c.2939A>G (p.Gln980Arg)

Gene: TMEM67 (transmembrane protein 67; plus strand). Cytogenetic location: 8q22.1.
Variant type: single nucleotide variant.
Coding change: c.2939A>G on transcript NM_153704.6 (MANE Select); coding-DNA position 2939, A replaced by G.
Protein change: p.Gln980Arg; replaces glutamine 980 with arginine.
Molecular consequence: missense variant. On other transcripts: non-coding transcript variant (1).
Genome position (GRCh38, 1-based): chr8:93,816,403, A>G. VCF-style: chr8-93816403-A-G. GRCh37 (hg19) VCF-style: chr8-94828631-A-G.
Other names: c.2696A>G, p.Gln899Arg (NM_001142301.1); short protein forms Q899R, Q980R.
Identifiers: ClinVar variation 4999338 (VCV004999338.1).

ClinVar aggregate classification (germline): Uncertain significance (1 of 4 stars; one submission).

Conditions:
TMEM67-related disorder. Also called: TMEM67-related condition; TMEM67-related disorders. Identifiers: MedGen CN239423.

Submission:

PreventionGenetics, part of Exact Sciences
Classification: Uncertain significance for TMEM67-related condition. Last evaluated: 2024-10-24. Review status: criteria provided, single submitter. Criteria: ACMG Guidelines, 2015. Collection method: clinical testing. Allele origin: germline.
Comment: The TMEM67 c.2939A>G variant is predicted to result in the amino acid substitution p.Gln980Arg. To our knowledge, this variant has not been reported in the literature or in a large population database (gnomAD), indicating this variant is rare. At this time, the clinical significance of this variant is uncertain due to the absence of conclusive functional and genetic evidence.